The following is an entry in ClinVar:

ClinVar aggregate classification (germline): Pathogenic (1 of 4 stars; one submission).

Conditions:
Multiple endocrine neoplasia, type 1 (MEN1). Also called: MEN I; WERMER SYNDROME; Endocrine adenomatosis multiple; MEN 1; MEA I. Identifiers: Orphanet 652, MedGen C0025267, MeSH D018761, MONDO:0007540, OMIM 131100.

Submission:

Labcorp Genetics (formerly Invitae), Labcorp
Classification: Pathogenic for Multiple endocrine neoplasia, type 1. Last evaluated: 2019-05-15. Review status: criteria provided, single submitter. Criteria: Invitae Variant Classification Sherloc (09022015). Collection method: clinical testing. Allele origin: germline.
Comment: This sequence change creates a premature translational stop signal (p.Asp123Metfs*62) in the MEN1 gene. It is expected to result in an absent or disrupted protein product. This variant is not present in population databases (ExAC no frequency). This variant has not been reported in the literature in individuals with MEN1-related conditions. Loss-of-function variants in MEN1 are known to be pathogenic (PMID: 12112656, 17853334). For these reasons, this variant has been classified as Pathogenic.

Literature cited by the submitters: PubMed 12112656; PubMed 17853334.

NM_001370259.2(MEN1):c.367del (p.Asp123fs)

Gene: MEN1 (menin 1; minus strand). Cytogenetic location: 11q13.1.
Variant type: Deletion.
Coding change: c.367del on transcript NM_001370259.2 (MANE Select); coding-DNA position 367, one base deleted (G; older notation c.367delG).
Protein change: p.Asp123fs; shifts the reading frame from aspartic acid 123.
Molecular consequence: frameshift variant.
Genome position (GRCh38, 1-based): chr11:64,809,743, C deleted on the plus strand (G on the coding strand, the reverse complement: MEN1 is on the minus strand). VCF-style (leftmost placement, unchanged base first): chr11-64809742-TC-T. GRCh37 (hg19) VCF-style: chr11-64577214-TC-T.
Other names: c.367del, p.Asp123fs (NM_130803.3, NM_130804.3, NM_000244.4 and 9 more transcripts); short protein forms D123fs.
Identifiers: ClinVar variation 945090 (VCV000945090.7), dbSNP rs1941982919, ClinGen allele CA1139662005.
Genomic context (GRCh38, chr11:64,809,742, plus strand): 5'-AGGGACTGGATGTGGGCCCGATCCTTGAAGTAGGAGCGGCTGAGGCTGTTCCATATGACA[TC>T]GGAGACCTTCTTCACCAGCTCACGGCTGGAGACACCCCCTTCTCGAGGATAGAGGGACAG-3'